The following is an entry in ClinVar:

ClinVar aggregate classification (germline): Uncertain significance (1 of 4 stars; one submission).

Conditions:
Inborn genetic diseases. Identifiers: MedGen C0950123, MeSH D030342.

Allele frequency attached by ClinVar (database versions not stated): ExAC 0.00004; 1000 Genomes Project 0.00020; 1000 Genomes Project 30x 0.00031.

Submission:

Ambry Genetics
Classification: Uncertain significance for Inborn genetic diseases. Last evaluated: 2020-12-19. Review status: criteria provided, single submitter. Criteria: Ambry Variant Classification Scheme 2023. Collection method: clinical testing. Allele origin: germline.
Comment: The c.1112G>A (p.R371Q) alteration is located in exon 10 (coding exon 10) of the INPP5K gene. This alteration results from a G to A substitution at nucleotide position 1112, causing the arginine (R) at amino acid position 371 to be replaced by a glutamine (Q). The in silico prediction for the p.R371Q alteration is inconclusive. Based on insufficient or conflicting evidence, the clinical significance of this alteration remains unclear.

NM_016532.4(INPP5K):c.1112G>A (p.Arg371Gln)

Gene: INPP5K (inositol polyphosphate-5-phosphatase K; minus strand). Cytogenetic location: 17p13.3.
Variant type: single nucleotide variant.
Coding change: c.1112G>A on transcript NM_016532.4 (MANE Select); coding-DNA position 1112, G replaced by A.
Protein change: p.Arg371Gln; replaces arginine 371 with glutamine.
Molecular consequence: missense variant.
Genome position (GRCh38, 1-based): chr17:1,496,392, C>T on the plus strand (G>A on the coding strand, the complement: INPP5K is on the minus strand). VCF-style: chr17-1496392-C-T. GRCh37 (hg19) VCF-style: chr17-1399686-C-T.
Other names: c.884G>A, p.Arg295Gln (NM_001135642.2, NM_130766.3); short protein forms R295Q, R371Q.
Identifiers: ClinVar variation 2219855 (VCV002219855.2), dbSNP rs558584523, ClinGen allele CA8268351.